The following is an entry in ClinVar:

ClinVar aggregate classification (germline): Pathogenic (1 of 4 stars; one submission).

Conditions:
Fanconi anemia (FA). Also called: Fanconi's anemia. Identifiers: Orphanet 84, MedGen C0015625, MeSH D005199, MONDO:0019391.

Submission:

Labcorp Genetics (formerly Invitae), Labcorp
Classification: Pathogenic for Fanconi anemia. Last evaluated: 2020-02-15. Review status: criteria provided, single submitter. Criteria: Invitae Variant Classification Sherloc (09022015). Collection method: clinical testing. Allele origin: germline.
Comment: This variant is an out-of-frame deletion of the genomic region encompassing 11-21 of the FANCM gene. This is expected to create a premature translational stop signal and result in an absent or disrupted protein product. This variant has not been reported in the literature in individuals with FANCM-related conditions. For these reasons, this variant has been classified as Pathogenic. Loss-of-function variants in FANCM are known to be pathogenic (PMID: 29895858, 30075111).

Literature cited by the submitters: PubMed 29895858; PubMed 30075111.

NC_000014.8:g.(?_45636143)_(45665760_?)del

Gene: FANCM (FA complementation group M; plus strand). Cytogenetic location: 14q21.2.
Variant type: Deletion.
Identifiers: ClinVar variation 1069354 (VCV001069354.5).